The following is an entry in ClinVar:

NM_001366521.1(ATP2B1):c.333_337del (p.Leu111fs)

Gene: ATP2B1 (ATPase plasma membrane Ca2+ transporting 1; minus strand). Cytogenetic location: 12q21.33.
Variant type: Deletion.
Coding change: c.333_337del on transcript NM_001366521.1 (MANE Select); coding-DNA positions 333 to 337, 5 bases deleted (AATTA; older notation c.333_337delAATTA).
Protein change: p.Leu111fs; shifts the reading frame from leucine 111.
Molecular consequence: frameshift variant. On other transcripts: non-coding transcript variant (3), intron variant (3).
Genome position (GRCh38, 1-based): chr12:89,642,227-89,642,231, TAATT deleted on the plus strand (AATTA on the coding strand, the reverse complement: ATP2B1 is on the minus strand). VCF-style (leftmost placement, unchanged base first): chr12-89642226-ATAATT-A. GRCh37 (hg19) VCF-style: chr12-90036003-ATAATT-A.
Other names: c.333_337del, p.Leu111fs (NM_001001323.2, NM_001366520.1, NM_001366522.1 and 23 more transcripts); c.209-6980_209-6976del (NM_001413053.1, NM_001366530.1); c.209-7328_209-7324del (NM_001413057.1); short protein forms L111fs.
Identifiers: ClinVar variation 4591037 (VCV004591037.1).

ClinVar aggregate classification (germline): Pathogenic (1 of 4 stars; one submission).

Conditions:
Inborn genetic diseases. Identifiers: MedGen C0950123, MeSH D030342.

Submission:

Ambry Genetics
Classification: Pathogenic for Inborn genetic diseases. Last evaluated: 2025-09-19. Review status: criteria provided, single submitter. Criteria: Ambry Variant Classification Scheme 2023. Collection method: clinical testing. Allele origin: germline.
Comment: The c.333_337delAATTA (p.L111Ffs*22) alteration, located in exon 2 (coding exon 2) of the ATP2B1 gene, consists of a deletion of 5 nucleotides from position 333 to 337, causing a translational frameshift with a predicted alternate stop codon after 22 amino acids. This alteration is expected to result in loss of function by premature protein truncation or nonsense-mediated mRNA decay. This variant was not reported in population-based cohorts in the Genome Aggregation Database (gnomAD). Based on the available evidence, this alteration is classified as pathogenic.